The following is an entry in ClinVar:

ClinVar aggregate classification (germline): Uncertain significance (1 of 4 stars; one submission).

gnomAD v4.1: 8 of 1,612,612 alleles (0.0005%); highest among the groups gnomAD compares: East Asian, 0.0022%; no homozygotes.

Submission:

Athena Diagnostics
Classification: Uncertain significance. Last evaluated: 2024-05-15. Review status: criteria provided, single submitter. Criteria: Athena Diagnostics Criteria. Collection method: clinical testing. Allele origin: unknown.
Comment: Available data are insufficient to determine the clinical significance of the variant at this time. The frequency of this variant in the general population is uninformative in assessment of its pathogenicity. Polyphen and MutationTaster yielded discordant predictions regarding whether this amino acid change is damaging to the protein.

NM_001146262.4(SYT14):c.169G>A (p.Gly57Arg)

Gene: SYT14 (synaptotagmin 14; plus strand). Cytogenetic location: 1q32.2.
Variant type: single nucleotide variant.
Coding change: c.169G>A on transcript NM_001146262.4 (MANE Select); coding-DNA position 169, G replaced by A.
Protein change: p.Gly57Arg; replaces glycine 57 with arginine.
Molecular consequence: missense variant. On other transcripts: 5 prime UTR variant (2), non-coding transcript variant (1).
Genome position (GRCh38, 1-based): chr1:210,013,740, G>A. VCF-style: chr1-210013740-G-A. GRCh37 (hg19) VCF-style: chr1-210187085-G-A.
Other names: c.304G>A, p.Gly102Arg (NM_001146261.4, NM_001146264.4); c.55G>A, p.Gly19Arg (NM_001256006.3); c.-881G>A (NM_001397544.1, NM_001397545.1); c.169G>A, p.Gly57Arg (NM_153262.5); short protein forms G19R, G57R, G102R.
Identifiers: ClinVar variation 3571822 (VCV003571822.1).